The following is an entry in ClinVar:

ClinVar aggregate classification (germline): Pathogenic (1 of 4 stars; one submission).

Conditions:
Isovaleryl-CoA dehydrogenase deficiency (IVA). Also called: Isovaleric acidemia; Classic Isovaleric Acidemia; ISOVALERIC ACID CoA DEHYDROGENASE DEFICIENCY; IVD DEFICIENCY. Identifiers: Orphanet 33, MedGen C0268575, MONDO:0009475, OMIM 243500.

Submission:

Labcorp Genetics (formerly Invitae), Labcorp
Classification: Pathogenic for Isovaleryl-CoA dehydrogenase deficiency. Last evaluated: 2021-03-27. Review status: criteria provided, single submitter. Criteria: Invitae Variant Classification Sherloc (09022015). Collection method: clinical testing. Allele origin: germline.
Comment: For these reasons, this variant has been classified as Pathogenic. This variant has not been reported in the literature in individuals with IVD-related conditions. This variant is not present in population databases (ExAC no frequency). This sequence change creates a premature translational stop signal (p.Leu283Thrfs*28) in the IVD gene. It is expected to result in an absent or disrupted protein product. Loss-of-function variants in IVD are known to be pathogenic (PMID: 16602101).

Literature cited by the submitters: PubMed 16602101.

NM_002225.5(IVD):c.838_841del (p.Leu280fs)

Gene: IVD (isovaleryl-CoA dehydrogenase; plus strand). Cytogenetic location: 15q15.1.
Variant type: Deletion.
Coding change: c.838_841del on transcript NM_002225.5 (MANE Select); coding-DNA positions 838 to 841, 4 bases deleted (CTGG; older notation c.838_841delCTGG).
Protein change: p.Leu280fs; shifts the reading frame from leucine 280.
Molecular consequence: frameshift variant. On other transcripts: non-coding transcript variant (1).
Genome position (GRCh38, 1-based): chr15:40,414,942-40,414,945, CTGG deleted; deleting any 4 consecutive bases within chr15:40,414,940-40,414,945 gives the same sequence; the c. name uses the placement nearest the transcript's 3' end. VCF-style (leftmost placement, unchanged base first): chr15-40414939-GGGCT-G. GRCh37 (hg19) VCF-style: chr15-40707138-GGGCT-G.
Other names: c.748_751del, p.Leu250fs (NM_001159508.3); c.790_793del, p.Leu264fs (NM_001354597.3); c.838_841del, p.Leu280fs (NM_001354598.3, NM_001354601.3); c.925_928del, p.Leu309fs (NM_001354599.3, NM_001354600.3); short protein forms L280fs, L309fs, L264fs, L250fs.
Identifiers: ClinVar variation 1452780 (VCV001452780.6), dbSNP rs2141351682, ClinGen allele CA2573150696.